The following is an entry in ClinVar:

NM_001378969.1(KCND3):c.1799G>C (p.Gly600Ala)

Gene: KCND3 (potassium voltage-gated channel subfamily D member 3; minus strand). Cytogenetic location: 1p13.2.
Variant type: single nucleotide variant.
Coding change: c.1799G>C on transcript NM_001378969.1 (MANE Select); coding-DNA position 1799, G replaced by C.
Protein change: p.Gly600Ala; replaces glycine 600 with alanine.
Molecular consequence: missense variant.
Genome position (GRCh38, 1-based): chr1:111,776,246, C>G on the plus strand (G>C on the coding strand, the complement: KCND3 is on the minus strand). VCF-style: chr1-111776246-C-G. GRCh37 (hg19) VCF-style: chr1-112318868-C-G.
Other names: c.1742G>C, p.Gly581Ala (NM_001378970.1, NM_172198.3); c.1799G>C, p.Gly600Ala (NM_004980.5); short protein forms G581A, G600A.
Identifiers: ClinVar variation 1684144 (VCV001684144.2), dbSNP rs2101452482, ClinGen allele CA341655685.

ClinVar aggregate classification (germline): Uncertain significance (1 of 4 stars; one submission).

Allele frequency attached by ClinVar (database versions not stated): gnomAD exomes below 0.00001.
gnomAD v4.1: 1 of 1,614,116 alleles (0.000062%); highest among the groups gnomAD compares: South Asian, 0.0011%; no homozygotes.

Submission:

GeneDx
Classification: Uncertain significance. Last evaluated: 2021-11-12. Review status: criteria provided, single submitter. Criteria: GeneDx Variant Classification Process June 2021. Collection method: clinical testing. Allele origin: germline. Affected: yes.
Comment: Not observed at significant frequency in large population cohorts (gnomAD); In silico analysis supports that this missense variant does not alter protein structure/function; Has not been previously published as pathogenic or benign to our knowledge